The following is an entry in ClinVar:

NM_001382430.1(AKT1):c.621C>A (p.His207Gln)

Gene: AKT1 (AKT serine/threonine kinase 1; minus strand). Cytogenetic location: 14q32.33.
Variant type: single nucleotide variant.
Coding change: c.621C>A on transcript NM_001382430.1 (MANE Select); coding-DNA position 621, C replaced by A.
Protein change: p.His207Gln; replaces histidine 207 with glutamine.
Molecular consequence: missense variant.
Genome position (GRCh38, 1-based): chr14:104,774,950, G>T on the plus strand (C>A on the coding strand, the complement: AKT1 is on the minus strand). VCF-style: chr14-104774950-G-T. GRCh37 (hg19) VCF-style: chr14-105241287-G-T.
Other names: c.621C>A, p.His207Gln (NM_001014431.2, NM_001014432.2, NM_001382431.1 and 3 more transcripts); short protein forms H207Q.
Identifiers: ClinVar variation 4035946 (VCV004035946.1).

ClinVar aggregate classification (germline): Uncertain significance (1 of 4 stars; one submission).

Conditions:
Inborn genetic diseases. Identifiers: MedGen C0950123, MeSH D030342.

Submission:

Ambry Genetics
Classification: Uncertain significance for Inborn genetic diseases. Last evaluated: 2025-03-25. Review status: criteria provided, single submitter. Criteria: Ambry Variant Classification Scheme 2023. Collection method: clinical testing. Allele origin: germline.
Comment: The p.H207Q variant (also known as c.621C>A), located in coding exon 6 of the AKT1 gene, results from a C to A substitution at nucleotide position 621. The histidine at codon 207 is replaced by glutamine, an amino acid with highly similar properties. This amino acid position is conserved. In addition, this alteration is predicted to be deleterious by in silico analysis. Based on the available evidence, the clinical significance of this variant remains unclear.